The following is an entry in ClinVar:

NM_000218.3(KCNQ1):c.919G>A (p.Val307Met)

Gene: KCNQ1 (potassium voltage-gated channel subfamily Q member 1; plus strand). Cytogenetic location: 11p15.5.
Variant type: single nucleotide variant.
Coding change: c.919G>A on transcript NM_000218.3 (MANE Select); coding-DNA position 919, G replaced by A.
Protein change: p.Val307Met; replaces valine 307 with methionine.
Molecular consequence: missense variant.
Genome position (GRCh38, 1-based): chr11:2,572,984, G>A. VCF-style: chr11-2572984-G-A. GRCh37 (hg19) VCF-style: chr11-2594214-G-A.
Other names: c.919G>A, p.Val307Met (NM_001406836.1); c.649G>A, p.Val217Met (NM_001406837.1); c.538G>A, p.Val180Met (NM_181798.2); short protein forms V307M, V180M, V217M.
Identifiers: ClinVar variation 922206 (VCV000922206.10), dbSNP rs120074195, ClinGen allele CA379131791.
Genomic context (GRCh38, chr11:2,572,984, plus strand): 5'-GCGGTGAACGAGTCAGGCCGCGTGGAGTTCGGCAGCTACGCAGATGCGCTGTGGTGGGGG[G>A]TGGTAAGTCGGAAACTTCCAGGCATGGGGACAGGGGCAGCTCAGGCTGAGGAGTGGGCAG-3'
Protein context (NP_000209.2, residues 297-317): GSYADALWWG[Val307Met]VTVTTIGYGD

ClinVar aggregate classification (germline): Uncertain significance. Review status: criteria provided, multiple submitters, no conflicts (2 of 4 stars). 3 submissions from 3 submitters: Uncertain significance (3). Last evaluated 2025-11-13.

Conditions:
Long QT syndrome (LQTS). Identifiers: MedGen C0023976, MeSH D008133, MONDO:0002442. Disease mechanism: loss of function. Inheritance: Various modes of inheritance.
Cardiac arrhythmia. Also called: Cardiac rhythm disease; Arrhythmia. Identifiers: MedGen C0003811, MONDO:0007263, HP:0011675.
Cardiovascular phenotype. Identifiers: MedGen CN230736.

Allele frequency attached by ClinVar (database versions not stated): gnomAD exomes below 0.00001.
gnomAD v4.1: 1 of 1,612,806 alleles (0.000062%); highest among the groups gnomAD compares: Non-Finnish European, 0.000085%; no homozygotes.

Submissions (3):

Ambry Genetics
Classification: Uncertain significance for Cardiovascular phenotype. Last evaluated: 2025-11-13. Review status: criteria provided, single submitter. Criteria: Ambry Variant Classification Scheme 2023. Collection method: clinical testing. Allele origin: germline.
Comment: The p.V307M variant (also known as c.919G>A), located in coding exon 6 of the KCNQ1 gene, results from a G to A substitution at nucleotide position 919. The valine at codon 307 is replaced by methionine, an amino acid with highly similar properties. This amino acid position is highly conserved in available vertebrate species. In addition, this alteration is predicted to be deleterious by in silico analysis. Based on the available evidence, the clinical significance of this variant remains unclear.

All of Us Research Program, National Institutes of Health
Classification: Uncertain significance for Long QT syndrome. Last evaluated: 2023-09-17. Review status: criteria provided, single submitter. Criteria: ACMG Guidelines, 2015. Collection method: clinical testing. Allele origin: germline. Inheritance: Autosomal dominant inheritance. Observed: 1 variant allele, 1 heterozygote.
Comment: Variant of Uncertain Significance due to insufficient evidence: This missense variant replaces valine with methionine at codon 307 of the KCNQ1 protein. Computational prediction tools and conservation analyses suggest that this variant may have deleterious impact on the protein function. Computational splicing tools suggest that this variant may not impact RNA splicing. To our knowledge, functional assays have not been performed for this variant nor has this variant been reported in individuals affected with cardiovascular disorders in the literature. This variant has not been identified in the general population by the Genome Aggregation Database (gnomAD). Available evidence is insufficient to determine the role of this variant in disease conclusively.

This study involves interpretation of variants in research participants for the purpose of population health screening. Participant phenotype was not available at the time of variant classification. Additional details can be found in publication PMID: 35346344, PMCID: PMC8962531

Color Diagnostics, LLC DBA Color Health
Classification: Uncertain significance for Cardiac arrhythmia. Last evaluated: 2023-09-01. Review status: criteria provided, single submitter. Criteria: ACMG Guidelines, 2015. Collection method: clinical testing. Allele origin: germline.
Comment: This variant is located in the KCNQ1 protein. Computational prediction suggests that this variant may have deleterious impact on protein structure and function (internally defined REVEL score threshold >= 0.7, PMID: 27666373). To our knowledge, functional studies have not been reported for this variant. This variant has not been reported in individuals affected with KCNQ1-related disorders in the literature. This variant has not been identified in the general population by the Genome Aggregation Database (gnomAD). The available evidence is insufficient to determine the role of this variant in disease conclusively. Therefore, this variant is classified as a Variant of Uncertain Significance.